The following is an entry in ClinVar:

ClinVar aggregate classification (germline): Uncertain significance (1 of 4 stars; one submission).

gnomAD v4.1: 88 of 1,613,950 alleles (0.0055%); highest among the groups gnomAD compares: Non-Finnish European, 0.00093%; no homozygotes.

Submission:

Labcorp Genetics (formerly Invitae), Labcorp
Classification: Uncertain significance. Last evaluated: 2024-02-06. Review status: criteria provided, single submitter. Criteria: Invitae Variant Classification Sherloc (09022015). Collection method: clinical testing. Allele origin: germline.
Comment: This sequence change replaces aspartic acid, which is acidic and polar, with asparagine, which is neutral and polar, at codon 623 of the LRRC8A protein (p.Asp623Asn). This variant is present in population databases (rs376835598, gnomAD 0.1%), and has an allele count higher than expected for a pathogenic variant. This variant has not been reported in the literature in individuals affected with LRRC8A-related conditions. An algorithm developed to predict the effect of missense changes on protein structure and function (PolyPhen-2) suggests that this variant is likely to be disruptive. In summary, the available evidence is currently insufficient to determine the role of this variant in disease. Therefore, it has been classified as a Variant of Uncertain Significance.

NM_019594.4(LRRC8A):c.1867G>A (p.Asp623Asn)

Gene: LRRC8A (leucine rich repeat containing 8 VRAC subunit A; plus strand). Cytogenetic location: 9q34.11.
Variant type: single nucleotide variant.
Coding change: c.1867G>A on transcript NM_019594.4 (MANE Select); coding-DNA position 1867, G replaced by A.
Protein change: p.Asp623Asn; replaces aspartic acid 623 with asparagine.
Molecular consequence: missense variant.
Genome position (GRCh38, 1-based): chr9:128,909,031, G>A. VCF-style: chr9-128909031-G-A. GRCh37 (hg19) VCF-style: chr9-131671310-G-A.
Other names: c.1867G>A, p.Asp623Asn (NM_001127244.2, NM_001127245.2); short protein forms D623N.
Identifiers: ClinVar variation 3605958 (VCV003605958.2).